The following is an entry in ClinVar:

NM_000256.3(MYBPC3):c.3218G>A (p.Arg1073Gln)

Gene: MYBPC3 (myosin binding protein C3; minus strand). Cytogenetic location: 11p11.2.
Variant type: single nucleotide variant.
Coding change: c.3218G>A on transcript NM_000256.3 (MANE Select); coding-DNA position 3218, G replaced by A.
Protein change: p.Arg1073Gln; replaces arginine 1073 with glutamine.
Molecular consequence: missense variant.
Genome position (GRCh38, 1-based): chr11:47,333,306, C>T on the plus strand (G>A on the coding strand, the complement: MYBPC3 is on the minus strand). VCF-style: chr11-47333306-C-T. GRCh37 (hg19) VCF-style: chr11-47354857-C-T.
Other names: c.3218G>A, p.Arg1073Gln (LRG_386t1); short protein forms R1073Q.
Identifiers: ClinVar variation 520353 (VCV000520353.17), dbSNP rs376598916, ClinGen allele CA079227.
Genomic context (GRCh38, chr11:47,333,306, plus strand): 5'-CCGACATCCTGGGGTGGCTTCCACTCCAGAGCCACATTAAGACCCCAGGCGTCAGTCACC[C>T]GGAGATCCTGGGGAGGACTTGGCTTGTCTGCGGGAGACAGACCCAGTTGGGTCACCACGC-3'
Protein context (NP_000247.2, residues 1063-1083): VDKPSPPQDL[Arg1073Gln]VTDAWGLNVA

ClinVar aggregate classification (germline): Uncertain significance. Review status: criteria provided, multiple submitters, no conflicts (2 of 4 stars). 3 submissions from 3 submitters: Uncertain significance (3). Last evaluated 2025-11-12.

Conditions:
Hypertrophic cardiomyopathy. Also called: HYPERTROPHIC MYOCARDIOPATHY. Identifiers: Orphanet 217569, MedGen C0007194, MeSH D002312, MONDO:0005045, HP:0001639.
Cardiomyopathy (CMYO). Also called: Cardiomyopathies. Identifiers: Orphanet 167848, MedGen C0878544, MONDO:0004994, HP:0001638. Inheritance: Various modes of inheritance.
Cardiovascular phenotype. Identifiers: MedGen CN230736.

Allele frequency attached by ClinVar (database versions not stated): gnomAD 0.00003 and 0.00004; gnomAD exomes 0.00004; TOPMed 0.00006; ExAC 0.00010; ESP Exome Variant Server 0.00016.

Submissions (3):

Ambry Genetics
Classification: Uncertain significance for Cardiovascular phenotype. Last evaluated: 2025-11-12. Review status: criteria provided, single submitter. Criteria: Ambry Variant Classification Scheme 2023. Collection method: clinical testing. Allele origin: germline.
Comment: The p.R1073Q variant (also known as c.3218G>A), located in coding exon 30 of the MYBPC3 gene, results from a G to A substitution at nucleotide position 3218. The arginine at codon 1073 is replaced by glutamine, an amino acid with highly similar properties. This alteration has been reported in a hypertrophic cardiomyopathy cohort; however, clinical details were limited (Harper AR et al. Nat Genet, 2021 Feb;53:135-142). Additionally, this variant has been reported in the Jackson Heart Study cohort; however, clinical details were limited (Bick AG et al. Am J Hum Genet, 2012 Sep;91:513-9). This amino acid position is not well conserved in available vertebrate species. In addition, this alteration is predicted to be tolerated by in silico analysis. Based on the available evidence, the clinical significance of this variant remains unclear.

Labcorp Genetics (formerly Invitae), Labcorp
Classification: Uncertain significance for Hypertrophic cardiomyopathy. Last evaluated: 2025-07-24. Review status: criteria provided, single submitter. Criteria: Invitae Variant Classification Sherloc (09022015). Collection method: clinical testing. Allele origin: germline.
Comment: This sequence change replaces arginine, which is basic and polar, with glutamine, which is neutral and polar, at codon 1073 of the MYBPC3 protein (p.Arg1073Gln). The frequency data for this variant in the population databases is considered unreliable, as metrics indicate poor data quality at this position in the gnomAD database. This missense change has been observed in individual(s) with hypertrophic cardiomyopathy (PMID: 33495597). ClinVar contains an entry for this variant (Variation ID: 520353). An algorithm developed to predict the effect of missense changes on protein structure and function outputs the following: PolyPhen-2: "Benign". The glutamine amino acid residue is found in multiple mammalian species, which suggests that this missense change does not adversely affect protein function. In summary, the available evidence is currently insufficient to determine the role of this variant in disease. Therefore, it has been classified as a Variant of Uncertain Significance.

Color Diagnostics, LLC DBA Color Health
Classification: Uncertain significance for Cardiomyopathy. Last evaluated: 2024-08-30. Review status: criteria provided, single submitter. Criteria: ACMG Guidelines, 2015. Collection method: clinical testing. Allele origin: germline.
Comment: This missense variant replaces arginine with glutamine at codon 1073 of the MYBPC3 protein. Computational prediction tools indicate that this variant has a neutral impact on protein structure and function. To our knowledge, functional studies have not been reported for this variant. This variant has been reported in an individual affected with hypertrophic cardiomyopathy (PMID: 33495597). This variant has been identified in 8/209396 chromosomes in the general population by the Genome Aggregation Database (gnomAD). The available evidence is insufficient to determine the role of this variant in disease conclusively. Therefore, this variant is classified as a Variant of Uncertain Significance.

Literature cited by the submitters: PubMed 22958901 (cited by Ambry Genetics); PubMed 28679633 (cited by Ambry Genetics); PubMed 33495597 (cited by 3 submitters).